The following is an entry in ClinVar:

ClinVar aggregate classification (germline): Benign/Likely benign. Review status: criteria provided, multiple submitters, no conflicts (2 of 4 stars). 9 submissions from 9 submitters: Benign (2); Likely benign (4). 3 of the submissions do not count toward it. Last evaluated 2026-09-25.

Conditions:
6-Pyruvoyl-tetrahydrobiopterin synthase deficiency. Also called: HYPERPHENYLALANINEMIA, TETRAHYDROBIOPTERIN-DEFICIENT, DUE TO PTS DEFICIENCY; Hyperphenylalanemia, BH4-deficient, A; Hyperphenylalaninemia due to 6-pyruvoyl-tetrahydropterin synthase deficiency; 6-Pyruvoyltetrahydropterin Synthase Deficiency; BH4-deficient hyperphenylalaninemia A; PTS-Related Tetrahydrobiopterin Deficiency. Identifiers: Orphanet 13, Orphanet 238583, MedGen C0878676, MONDO:0009863, OMIM 261640.
PTS-related disorder. Also called: PTS-related condition.

Allele frequency attached by ClinVar (database versions not stated): 1000 Genomes Project 30x 0.00250; 1000 Genomes Project 0.00260; ESP Exome Variant Server 0.00285; TOPMed 0.00313; ExAC 0.00318; gnomAD exomes 0.00356 and 0.00456; gnomAD 0.00415 and 0.00436.
gnomAD v4.1: 7,218 of 1,609,882 alleles (0.45%); highest among the groups gnomAD compares: Non-Finnish European, 0.49%; 24 homozygotes.

Submissions (9):

PreventionGenetics, part of Exact Sciences
Classification: Likely benign for PTS-related condition. Last evaluated: 2026-09-25. Review status: criteria provided, single submitter. Criteria: ACMG Guidelines, 2015. Collection method: clinical testing. Allele origin: germline.
Comment: This variant is classified as likely benign based on ACMG/AMP sequence variant interpretation guidelines (Richards et al. 2015 PMID: 25741868, with internal and published modifications).

CeGaT Center for Human Genetics Tuebingen
Classification: Likely benign. Last evaluated: 2026-05-01. Review status: criteria provided, single submitter. Criteria: CeGaT Center For Human Genetics Tuebingen Variant Classification Criteria Version 2. Collection method: clinical testing. Allele origin: germline. Affected: yes. Observed: 7 variant alleles.
Comment: PTS: BP4, BS2

Labcorp Genetics (formerly Invitae), Labcorp
Classification: Benign for 6-Pyruvoyl-tetrahydrobiopterin synthase deficiency. Last evaluated: 2026-02-04. Review status: criteria provided, single submitter. Criteria: Invitae Variant Classification Sherloc (09022015). Collection method: clinical testing. Allele origin: germline.

Blueprint Genetics
Classification: Likely benign. Last evaluated: 2024-11-21. Review status: criteria provided, single submitter. Criteria: ACMG Guidelines, 2015. Collection method: clinical testing. Allele origin: germline.

GeneDx
Classification: Benign. Last evaluated: 2021-05-10. Review status: criteria provided, single submitter. Criteria: GeneDx Variant Classification Process June 2021. Collection method: clinical testing. Allele origin: germline. Affected: yes.

Illumina Laboratory Services, Illumina
Classification: Likely benign for 6-Pyruvoyl-tetrahydrobiopterin synthase deficiency. Last evaluated: 2018-01-13. Review status: criteria provided, single submitter. Criteria: ICSL Variant Classification Criteria 13 December 2019. Collection method: clinical testing. Allele origin: germline.
Comment: This variant was observed in the ICSL laboratory as part of a predisposition screen in an ostensibly healthy population. It had not been previously curated by ICSL or reported in the Human Gene Mutation Database (HGMD: prior to June 1st, 2018), and was therefore a candidate for classification through an automated scoring system. Utilizing variant allele frequency, disease prevalence and penetrance estimates, and inheritance mode, an automated score was calculated to assess if this variant is too frequent to cause the disease. Based on the score and internal cut-off values, a variant classified as likely benign is not then subjected to further curation. The score for this variant resulted in a classification of likely benign for this disease.

Clinical Genetics DNA and cytogenetics Diagnostics Lab, Erasmus MC, Erasmus Medical Center
Classification: Likely benign. Review status: no assertion criteria provided. Collection method: clinical testing. Allele origin: germline. Affected: yes. Study: VKGL Data-share Consensus. Not counted in ClinVar's aggregate classification.

Diagnostic Laboratory, Department of Genetics, University Medical Center Groningen
Classification: Likely benign. Review status: no assertion criteria provided. Collection method: clinical testing. Allele origin: germline. Affected: yes. Study: VKGL Data-share Consensus. Not counted in ClinVar's aggregate classification.

Laboratory of Diagnostic Genome Analysis, Leiden University Medical Center (LUMC)
Classification: Likely benign. Review status: no assertion criteria provided. Collection method: clinical testing. Allele origin: germline. Affected: yes. Study: VKGL Data-share Consensus. Not counted in ClinVar's aggregate classification.

NM_000317.3(PTS):c.315-3T>C

Gene: PTS (6-pyruvoyltetrahydropterin synthase; plus strand). Cytogenetic location: 11q23.1.
Variant type: single nucleotide variant.
Coding change: c.315-3T>C on transcript NM_000317.3 (MANE Select); 3 bases into the intron before coding-DNA position 315, T replaced by C.
Molecular consequence: intron variant.
Genome position (GRCh38, 1-based): chr11:112,233,429, T>C. VCF-style: chr11-112233429-T-C. GRCh37 (hg19) VCF-style: chr11-112104152-T-C.
Identifiers: ClinVar variation 532010 (VCV000532010.59), dbSNP rs189365250, ClinGen allele CA6278582.